The following is an entry in ClinVar:

NM_022552.5(DNMT3A):c.1286A>G (p.Lys429Arg)

Gene: DNMT3A (DNA methyltransferase 3 alpha; minus strand). Cytogenetic location: 2p23.3.
Variant type: single nucleotide variant.
Coding change: c.1286A>G on transcript NM_022552.5 (MANE Select); coding-DNA position 1286, A replaced by G.
Protein change: p.Lys429Arg; replaces lysine 429 with arginine.
Molecular consequence: missense variant. On other transcripts: non-coding transcript variant (1).
Genome position (GRCh38, 1-based): chr2:25,246,303, T>C on the plus strand (A>G on the coding strand, the complement: DNMT3A is on the minus strand). VCF-style: chr2-25246303-T-C. GRCh37 (hg19) VCF-style: chr2-25469172-T-C.
Other names: c.830A>G, p.Lys277Arg (NM_001320893.1); c.617A>G, p.Lys206Arg (NM_001375819.1); c.719A>G, p.Lys240Arg (NM_153759.3); c.1286A>G, p.Lys429Arg (NM_175629.2); short protein forms K277R, K206R, K240R, K429R.
Identifiers: ClinVar variation 5035513 (VCV005035513.1).

ClinVar aggregate classification (germline): Uncertain significance (1 of 4 stars; one submission).

Conditions:
Inborn genetic diseases. Identifiers: MedGen C0950123, MeSH D030342.

Submission:

Ambry Genetics
Classification: Uncertain significance for Inborn genetic diseases. Last evaluated: 2026-08-01. Review status: criteria provided, single submitter. Criteria: Ambry Variant Classification Scheme 2023. Collection method: clinical testing. Allele origin: germline.
Comment: The p.K429R variant (also known as c.1286A>G), located in coding exon 10 of the DNMT3A gene, results from an A to G substitution at nucleotide position 1286. The lysine at codon 429 is replaced by arginine, an amino acid with highly similar properties. This amino acid position is conserved. In addition, this alteration is predicted to be tolerated by in silico analysis. Based on the available evidence, the clinical significance of this variant remains unclear.